The following is an entry in ClinVar:

NM_020778.5(ALPK3):c.56C>T (p.Ala19Val)

Gene: ALPK3 (alpha kinase 3; plus strand). Cytogenetic location: 15q25.3.
Variant type: single nucleotide variant.
Coding change: c.56C>T on transcript NM_020778.5 (MANE Select); coding-DNA position 56, C replaced by T.
Protein change: p.Ala19Val; replaces alanine 19 with valine.
Molecular consequence: missense variant.
Genome position (GRCh38, 1-based): chr15:84,817,508, C>T. VCF-style: chr15-84817508-C-T. GRCh37 (hg19) VCF-style: chr15-85360739-C-T.
Other names: short protein forms A19V.
Identifiers: ClinVar variation 4088766 (VCV004088766.1).
Genomic context (GRCh38, chr15:84,817,508, plus strand): 5'-GTGCCATGGGGTCGCGGAGGGCCCCCAGCCGGGGCTGGGGCGCGGGTGGGCGGTCGGGGG[C>T]GGGGGGCGACGGTGAGGACGACGGCCCCGTGTGGATCCCCAGCCCAGCCAGCCGGAGCTA-3'
Protein context (NP_065829.4, residues 9-29): RGWGAGGRSG[Ala19Val]GGDGEDDGPV

ClinVar aggregate classification (germline): Uncertain significance (1 of 4 stars; one submission).

Conditions:
Cardiovascular phenotype. Identifiers: MedGen CN230736.

Submission:

Ambry Genetics
Classification: Uncertain significance for Cardiovascular phenotype. Last evaluated: 2025-06-22. Review status: criteria provided, single submitter. Criteria: Ambry Variant Classification Scheme 2023. Collection method: clinical testing. Allele origin: germline.
Comment: The p.A221V variant (also known as c.662C>T), located in coding exon 1 of the ALPK3 gene, results from a C to T substitution at nucleotide position 662. The alanine at codon 221 is replaced by valine, an amino acid with similar properties. This amino acid position is conserved. In addition, this alteration is predicted to be tolerated by in silico analysis. Based on the available evidence, the clinical significance of this variant remains unclear.